The following is an entry in ClinVar:

NM_001371928.1(AHDC1):c.4200C>T (p.Pro1400=)

Gene: AHDC1 (AT-hook DNA binding motif containing 1; minus strand). Cytogenetic location: 1p36.11.
Variant type: single nucleotide variant.
Coding change: c.4200C>T on transcript NM_001371928.1 (MANE Select); coding-DNA position 4200, C replaced by T.
Protein change: p.Pro1400=; no amino-acid change (proline 1400 retained).
Molecular consequence: synonymous variant.
Genome position (GRCh38, 1-based): chr1:27,547,916, G>A on the plus strand (C>T on the coding strand, the complement: AHDC1 is on the minus strand). VCF-style: chr1-27547916-G-A. GRCh37 (hg19) VCF-style: chr1-27874427-G-A.
Other names: c.4200C>T, p.Pro1400= (NM_001029882.3); c.4200C>T (NM_001029882.2).
Identifiers: ClinVar variation 734106 (VCV000734106.16), dbSNP rs149518384, ClinGen allele CA715411.

ClinVar aggregate classification (germline): Benign/Likely benign. Review status: criteria provided, multiple submitters, no conflicts (2 of 4 stars). 5 submissions from 5 submitters: Benign (3); Likely benign (1). 1 of the submissions does not count toward it. Last evaluated 2025-12-30.

Conditions:
AHDC1-related disorder. Also called: AHDC1-related condition.
AHDC1-related intellectual disability - obstructive sleep apnea - mild dysmorphism syndrome. Also called: Xia-Gibbs syndrome. Identifiers: Orphanet 412069, MedGen C4014419, MONDO:0014358, OMIM 615829.

Allele frequency attached by ClinVar (database versions not stated): gnomAD exomes 0.00009 and 0.00024; ExAC 0.00023; 1000 Genomes Project 0.00100; gnomAD 0.00113 and 0.00119; TOPMed 0.00113; ESP Exome Variant Server 0.00123; 1000 Genomes Project 30x 0.00141.
gnomAD v4.1: 297 of 1,571,868 alleles (0.019%); highest among the groups gnomAD compares: African/African-American, 0.35%; no homozygotes.

Submissions (5):

Labcorp Genetics (formerly Invitae), Labcorp
Classification: Benign. Last evaluated: 2025-12-30. Review status: criteria provided, single submitter. Criteria: Invitae Variant Classification Sherloc (09022015). Collection method: clinical testing. Allele origin: germline.

Blueprint Genetics
Classification: Likely benign. Last evaluated: 2023-08-17. Review status: criteria provided, single submitter. Criteria: ACMG Guidelines, 2015. Collection method: clinical testing. Allele origin: germline.

Genome-Nilou Lab
Classification: Benign for AHDC1-related intellectual disability - obstructive sleep apnea - mild dysmorphism syndrome. Last evaluated: 2021-12-05. Review status: criteria provided, single submitter. Criteria: ACMG Guidelines, 2015. Collection method: clinical testing. Allele origin: germline. Affected: no.

GeneDx
Classification: Benign. Last evaluated: 2020-09-13. Review status: criteria provided, single submitter. Criteria: GeneDx Variant Classification Process June 2021. Collection method: clinical testing. Allele origin: germline. Affected: yes.

PreventionGenetics, part of Exact Sciences
Classification: Likely benign for AHDC1-related condition. Last evaluated: 2021-01-13. Review status: no assertion criteria provided. Collection method: clinical testing. Allele origin: germline. Not counted in ClinVar's aggregate classification.
Comment: This variant is classified as likely benign based on ACMG/AMP sequence variant interpretation guidelines (Richards et al. 2015 PMID: 25741868, with internal and published modifications).